The following is an entry in ClinVar:

NM_000719.7(CACNA1C):c.2993G>A (p.Arg998Gln)

Gene: CACNA1C (calcium voltage-gated channel subunit alpha1 C; plus strand). Cytogenetic location: 12p13.33.
Variant type: single nucleotide variant.
Coding change: c.2993G>A on transcript NM_000719.7 (MANE Select); coding-DNA position 2993, G replaced by A.
Protein change: p.Arg998Gln; replaces arginine 998 with glutamine.
Molecular consequence: missense variant.
Genome position (GRCh38, 1-based): chr12:2,605,113, G>A. VCF-style: chr12-2605113-G-A. GRCh37 (hg19) VCF-style: chr12-2714279-G-A.
Other names: c.3053G>A, p.Arg1018Gln (NM_001129827.2, NM_001129832.2, NM_199460.4); c.2993G>A, p.Arg998Gln (NM_001129829.2, NM_001129830.3, NM_001129831.2 and 15 more transcripts); c.2984G>A, p.Arg995Gln (NM_001129844.2); short protein forms R1018Q, R995Q, R998Q.
Identifiers: ClinVar variation 1023805 (VCV001023805.9), dbSNP rs755609118, ClinGen allele CA231602282.

ClinVar aggregate classification (germline): Uncertain significance (1 of 4 stars; one submission).

Conditions:
Long QT syndrome (LQTS). Identifiers: MedGen C0023976, MeSH D008133, MONDO:0002442. Disease mechanism: loss of function. Inheritance: Various modes of inheritance.

Allele frequency attached by ClinVar (database versions not stated): gnomAD exomes below 0.00001.
gnomAD v4.1: 2 of 1,613,742 alleles (0.00012%); highest among the groups gnomAD compares: Non-Finnish European, 0.00017%; no homozygotes.

Submission:

Labcorp Genetics (formerly Invitae), Labcorp
Classification: Uncertain significance for Long QT syndrome. Last evaluated: 2020-06-16. Review status: criteria provided, single submitter. Criteria: Invitae Variant Classification Sherloc (09022015). Collection method: clinical testing. Allele origin: germline.
Comment: In summary, the available evidence is currently insufficient to determine the role of this variant in disease. Therefore, it has been classified as a Variant of Uncertain Significance. Algorithms developed to predict the effect of missense changes on protein structure and function are either unavailable or do not agree on the potential impact of this missense change (SIFT: "Deleterious"; PolyPhen-2: "Probably Damaging"; Align-GVGD: "Class C0"). This variant has not been reported in the literature in individuals with CACNA1C-related conditions. This variant is not present in population databases (ExAC no frequency). This sequence change replaces arginine with glutamine at codon 998 of the CACNA1C protein (p.Arg998Gln). The arginine residue is highly conserved and there is a small physicochemical difference between arginine and glutamine.